The following is an entry in ClinVar:

ClinVar aggregate classification (germline): Pathogenic. Review status: reviewed by expert panel (3 of 4 stars). 3 submissions from 3 submitters: Pathogenic (1). 2 of the submissions do not count toward it. Last evaluated 2016-09-08.

Conditions:
Hereditary breast ovarian cancer syndrome. Also called: Hereditary breast and ovarian cancer syndrome; Hereditary breast and ovarian cancer; Hereditary breast and ovarian cancer syndrome (HBOC); Breast and ovarian cancer; Hereditary breast and/or ovarian cancer syndrome; BRCA1- and BRCA2-Associated Hereditary Breast and Ovarian Cancer. Identifiers: Orphanet 145, MedGen C0677776, MeSH D061325, MONDO:0003582. Disease mechanism: loss of function.
Breast-ovarian cancer, familial, susceptibility to, 2 (BROVCA2). Also called: BRCA2 Hereditary Breast and Ovarian Cancer. Identifiers: Orphanet 145, MedGen C2675520, MONDO:0012933, OMIM 612555. Disease mechanism: loss of function.

Submissions (3):

Evidence-based Network for the Interpretation of Germline Mutant Alleles (ENIGMA)
Classification: Pathogenic for Breast-ovarian cancer, familial, susceptibility to, 2. Last evaluated: 2016-09-08. Review status: reviewed by expert panel. Criteria: ENIGMA BRCA1/2 Classification Criteria (2015). Collection method: curation. Allele origin: germline.
Comment: Variant allele predicted to encode a truncated non-functional protein.

Research Molecular Genetics Laboratory, Women's College Hospital, University of Toronto
Classification: Pathogenic for Hereditary breast ovarian cancer syndrome. Last evaluated: 2014-01-31. Review status: no assertion criteria provided. Collection method: research. Allele origin: germline. Affected: yes. Study: The Canadian Open Genetics Repository (COGR). Not counted in ClinVar's aggregate classification.

Breast Cancer Information Core (BIC) (BRCA2)
Classification: Pathogenic for Breast-ovarian cancer, familial 2. Last evaluated: 2002-05-29. Review status: no assertion criteria provided. Collection method: clinical testing. Allele origin: germline. Affected: yes. Observed: 2 variant alleles. Not counted in ClinVar's aggregate classification.

NM_000059.4(BRCA2):c.5954_5955del (p.Ser1985fs)

Gene: BRCA2 (BRCA2 DNA repair associated; plus strand). Cytogenetic location: 13q13.1.
Variant type: Deletion.
Coding change: c.5954_5955del on transcript NM_000059.4 (MANE Select); coding-DNA positions 5954 to 5955, 2 bases deleted (CT; older notation c.5954_5955delCT).
Protein change: p.Ser1985fs; shifts the reading frame from serine 1985.
Molecular consequence: frameshift variant.
Genome position (GRCh38, 1-based): chr13:32,340,309-32,340,310, CT deleted; deleting any 2 consecutive bases within chr13:32,340,308-32,340,310 gives the same sequence; the c. name uses the placement nearest the transcript's 3' end. VCF-style (leftmost placement, unchanged base first): chr13-32340307-ATC-A. GRCh37 (hg19) VCF-style: chr13-32914444-ATC-A.
Other names: 6181delTC; c.5953_5954delTC (NM_000059.3); c.5954_5955delCT (NM_000059.3); short protein forms S1985fs.
Identifiers: ClinVar variation 51972 (VCV000051972.4), dbSNP rs80359551, ClinGen allele CA023409.